The following is an entry in ClinVar:

ClinVar aggregate classification (germline): Pathogenic/Likely pathogenic. Review status: criteria provided, multiple submitters, no conflicts (2 of 4 stars). 2 submissions from 2 submitters: Pathogenic (1); Likely pathogenic (1). Last evaluated 2023-07-24.

Conditions:
Combined immunodeficiency due to LRBA deficiency. Also called: Common variable immunodeficiency 8, with autoimmunity. Identifiers: Orphanet 445018, MedGen C3553512, MONDO:0013863, OMIM 614700.

Allele frequency attached by ClinVar (database versions not stated): gnomAD 0.00001.
gnomAD v4.1: 5 of 1,609,160 alleles (0.00031%); highest among the groups gnomAD compares: South Asian, 0.0022%; no homozygotes.

Submissions (2):

Labcorp Genetics (formerly Invitae), Labcorp
Classification: Pathogenic for Combined immunodeficiency due to LRBA deficiency. Last evaluated: 2023-07-24. Review status: criteria provided, single submitter. Criteria: Invitae Variant Classification Sherloc (09022015). Collection method: clinical testing. Allele origin: germline.
Comment: This sequence change creates a premature translational stop signal (p.Arg2214*) in the LRBA gene. It is expected to result in an absent or disrupted protein product. Loss-of-function variants in LRBA are known to be pathogenic (PMID: 26206937, 26768763). This variant is present in population databases (no rsID available, gnomAD 0.007%). This premature translational stop signal has been observed in individual(s) with common variable immunodeficiency (PMID: 29867916). ClinVar contains an entry for this variant (Variation ID: 809688). For these reasons, this variant has been classified as Pathogenic.

CeGaT Center for Human Genetics Tuebingen
Classification: Likely pathogenic. Last evaluated: 2017-05-01. Review status: criteria provided, single submitter. Criteria: CeGaT Center For Human Genetics Tuebingen Variant Classification Criteria Version 2. Collection method: clinical testing. Allele origin: germline. Affected: yes. Observed: 1 variant allele.

Literature cited by the submitters: PubMed 26206937 (cited by Labcorp Genetics (formerly Invitae), Labcorp); PubMed 26768763 (cited by Labcorp Genetics (formerly Invitae), Labcorp); PubMed 29867916 (cited by Labcorp Genetics (formerly Invitae), Labcorp).

NM_001364905.1(LRBA):c.6607C>T (p.Arg2203Ter)

Gene: LRBA (LPS responsive beige-like anchor protein; minus strand). Cytogenetic location: 4q31.3.
Variant type: single nucleotide variant.
Coding change: c.6607C>T on transcript NM_001364905.1 (MANE Select); coding-DNA position 6607, C replaced by T.
Protein change: p.Arg2203Ter; replaces arginine 2203 with a stop codon.
Molecular consequence: nonsense.
Genome position (GRCh38, 1-based): chr4:150,471,684, G>A on the plus strand (C>T on the coding strand, the complement: LRBA is on the minus strand). VCF-style: chr4-150471684-G-A. GRCh37 (hg19) VCF-style: chr4-151392836-G-A.
Other names: c.6607C>T, p.Arg2203Ter (NM_001199282.3, NM_001367550.1); c.6640C>T, p.Arg2214Ter (NM_006726.5); short protein forms R2203*, R2214*.
Identifiers: ClinVar variation 809688 (VCV000809688.49), dbSNP rs1206185362, ClinGen allele CA358606706.